The following is an entry in ClinVar:

NM_001267550.2(TTN):c.41937del (p.Glu13980fs)

Gene: TTN (titin; minus strand). Cytogenetic location: 2q31.2.
Variant type: Deletion.
Coding change: c.41937del on transcript NM_001267550.2 (MANE Select); coding-DNA position 41937, one base deleted (A; older notation c.41937delA).
Protein change: p.Glu13980fs; shifts the reading frame from glutamic acid 13980.
Molecular consequence: frameshift variant.
Genome position (GRCh38, 1-based): chr2:178,635,252, T deleted on the plus strand (A on the coding strand, the reverse complement: TTN is on the minus strand); the first of 3 consecutive T bases (chr2:178,635,252-178,635,254); deleting any one gives the same sequence. VCF-style (leftmost placement, unchanged base first): chr2-178635251-CT-C. GRCh37 (hg19) VCF-style: chr2-179499978-CT-C.
Other names: c.37014del, p.Glu12339fs (NM_001256850.1); c.14742del, p.Glu4915fs (NM_003319.4); c.34233del, p.Glu11412fs (NM_133378.4); c.15117del, p.Glu5040fs (NM_133432.3); c.15318del, p.Glu5107fs (NM_133437.4); short protein forms E12339fs, E4915fs, E5040fs, E5107fs, E11412fs, E13980fs.
Identifiers: ClinVar variation 2953861 (VCV002953861.3), dbSNP rs2471580423, ClinGen allele CA2740096359.

ClinVar aggregate classification (germline): Likely pathogenic (1 of 4 stars; one submission).

Conditions:
Autosomal recessive limb-girdle muscular dystrophy type 2J (LGMDR10). Also called: Limb-girdle muscular dystrophy, type 2J; MUSCULAR DYSTROPHY, LIMB-GIRDLE, AUTOSOMAL RECESSIVE 10. Identifiers: Orphanet 140922, MedGen C1837342, MONDO:0012127, OMIM 608807.
Dilated cardiomyopathy 1G (CMD1G). Identifiers: Orphanet 154, MedGen C1858763, MONDO:0011400, OMIM 604145.

Submission:

Labcorp Genetics (formerly Invitae), Labcorp
Classification: Likely pathogenic for Dilated cardiomyopathy 1G; Autosomal recessive limb-girdle muscular dystrophy type 2J. Last evaluated: 2024-01-31. Review status: criteria provided, single submitter. Criteria: Invitae Variant Classification Sherloc (09022015). Collection method: clinical testing. Allele origin: germline.
Comment: This sequence change creates a premature translational stop signal (p.Glu13980Lysfs*20) in the TTN gene. While this is not anticipated to result in nonsense mediated decay, it is expected to create a truncated TTN protein. This variant is not present in population databases (gnomAD no frequency). This variant has not been reported in the literature in individuals affected with TTN-related conditions. This variant is located in the I band of TTN (PMID: 25589632). Truncating variants in this region have been reported in individuals affected with autosomal recessive centronuclear myopathy (PMID: 23975875, Invitae internal data). Truncating variants in this region have also been identified in individuals affected with autosomal dominant dilated cardiomyopathy and/or cardio-related conditions (PMID: 27869827, 32964742, Invitae internal data). In summary, the currently available evidence indicates that the variant is pathogenic, but additional data are needed to prove that conclusively. Therefore, this variant has been classified as Likely Pathogenic.

Literature cited by the submitters: PubMed 25589632; PubMed 23975875; PubMed 27869827; PubMed 32964742.